The following is an entry in ClinVar:

NM_177550.5(SLC13A5):c.61C>G (p.Pro21Ala)

Gene: SLC13A5 (solute carrier family 13 member 5; minus strand). Cytogenetic location: 17p13.1.
Variant type: single nucleotide variant.
Coding change: c.61C>G on transcript NM_177550.5 (MANE Select); coding-DNA position 61, C replaced by G.
Protein change: p.Pro21Ala; replaces proline 21 with alanine.
Molecular consequence: missense variant.
Genome position (GRCh38, 1-based): chr17:6,713,273, G>C on the plus strand (C>G on the coding strand, the complement: SLC13A5 is on the minus strand). VCF-style: chr17-6713273-G-C. GRCh37 (hg19) VCF-style: chr17-6616592-G-C.
Other names: c.61C>G, p.Pro21Ala (NM_001143838.3, NM_001284509.2, NM_001284510.2); short protein forms P21A.
Identifiers: ClinVar variation 574483 (VCV000574483.9), dbSNP rs1567628652, ClinGen allele CA397753767.

ClinVar aggregate classification (germline): Uncertain significance (1 of 4 stars; one submission).

Conditions:
Developmental and epileptic encephalopathy, 25 (DEE25). Also called: Epileptic encephalopathy, early infantile, 25; Developmental and epileptic encephalopathy 25, with amelogenesis imperfecta; Epileptic encephalopathy, early infantile, 25, with amelogenesis imperfecta. Identifiers: Orphanet 442835, MedGen C4014621, MONDO:0014392, OMIM 615905.

Submission:

Labcorp Genetics (formerly Invitae), Labcorp
Classification: Uncertain significance for Developmental and epileptic encephalopathy, 25. Last evaluated: 2022-08-15. Review status: criteria provided, single submitter. Criteria: Invitae Variant Classification Sherloc (09022015). Collection method: clinical testing. Allele origin: germline.
Comment: Algorithms developed to predict the effect of missense changes on protein structure and function are either unavailable or do not agree on the potential impact of this missense change (SIFT: "Deleterious"; PolyPhen-2: "Probably Damaging"; Align-GVGD: "Class C0"). ClinVar contains an entry for this variant (Variation ID: 574483). This variant has not been reported in the literature in individuals affected with SLC13A5-related conditions. This variant is not present in population databases (gnomAD no frequency). This sequence change replaces proline, which is neutral and non-polar, with alanine, which is neutral and non-polar, at codon 21 of the SLC13A5 protein (p.Pro21Ala). In summary, the available evidence is currently insufficient to determine the role of this variant in disease. Therefore, it has been classified as a Variant of Uncertain Significance.